The following is an entry in ClinVar:

NM_007294.4(BRCA1):c.2238C>A (p.Asp746Glu)

Gene: BRCA1 (BRCA1 DNA repair associated; minus strand). Cytogenetic location: 17q21.31.
Variant type: single nucleotide variant.
Coding change: c.2238C>A on transcript NM_007294.4 (MANE Select); coding-DNA position 2238, C replaced by A.
Protein change: p.Asp746Glu; replaces aspartic acid 746 with glutamic acid.
Molecular consequence: missense variant. On other transcripts: intron variant (137).
Genome position (GRCh38, 1-based): chr17:43,093,293, G>T on the plus strand (C>A on the coding strand, the complement: BRCA1 is on the minus strand). VCF-style: chr17-43093293-G-T. GRCh37 (hg19) VCF-style: chr17-41245310-G-T.
Other names: c.2094C>A, p.Asp698Glu (NM_001407742.1, NM_001407743.1, NM_001407744.1 and 20 more transcripts); c.2097C>A, p.Asp699Glu (NM_001407750.1, NM_001407751.1, NM_001407752.1 and 29 more transcripts); c.2025C>A, p.Asp675Glu (NM_001407853.1, NM_001407894.1, NM_001407895.1 and 9 more transcripts); c.2238C>A, p.Asp746Glu (NM_001407854.1, NM_001407858.1, NM_001407859.1 and 30 more transcripts); c.2235C>A, p.Asp745Glu (NM_001407860.1, NM_001407861.1, NM_001407587.1 and 22 more transcripts); c.2037C>A, p.Asp679Glu (NM_001407862.1); c.2115C>A, p.Asp705Glu (NM_001407863.1, NM_001407919.1, NM_001407937.1 and 19 more transcripts); c.2034C>A, p.Asp678Glu (NM_001407874.1, NM_001407875.1); and 41 more; short protein forms D746E, D699E, D578E, D635E, D658E, D704E, D719E, D450E.
Identifiers: ClinVar variation 186185 (VCV000186185.10), dbSNP rs786202757, ClinGen allele CA001498.

ClinVar aggregate classification (germline): Conflicting classifications of pathogenicity. Review status: criteria provided, conflicting classifications (1 of 4 stars). 3 submissions from 3 submitters: Uncertain significance (2); Likely benign (1). Last evaluated 2024-10-02.

Conditions:
Hereditary cancer-predisposing syndrome. Also called: Hereditary neoplastic syndrome; Neoplastic Syndromes, Hereditary; Tumor predisposition; Hereditary Cancer Syndrome. Identifiers: Orphanet 140162, MedGen C0027672, MeSH D009386, MONDO:0015356.
Hereditary breast ovarian cancer syndrome. Also called: Hereditary breast and ovarian cancer syndrome (HBOC); Breast and ovarian cancer; Hereditary breast and/or ovarian cancer syndrome; BRCA1- and BRCA2-Associated Hereditary Breast and Ovarian Cancer; Hereditary breast and ovarian cancer syndrome; Hereditary breast and ovarian cancer. Identifiers: Orphanet 145, MedGen C0677776, MeSH D061325, MONDO:0003582. Disease mechanism: loss of function.

Submissions (3):

Labcorp Genetics (formerly Invitae), Labcorp
Classification: Uncertain significance for Hereditary breast ovarian cancer syndrome. Last evaluated: 2024-10-02. Review status: criteria provided, single submitter. Criteria: Invitae Variant Classification Sherloc (09022015). Collection method: clinical testing. Allele origin: germline.
Comment: This sequence change replaces aspartic acid, which is acidic and polar, with glutamic acid, which is acidic and polar, at codon 746 of the BRCA1 protein (p.Asp746Glu). This variant is not present in population databases (gnomAD no frequency). This variant has not been reported in the literature in individuals affected with BRCA1-related conditions. ClinVar contains an entry for this variant (Variation ID: 186185). Invitae Evidence Modeling of protein sequence and biophysical properties (such as structural, functional, and spatial information, amino acid conservation, physicochemical variation, residue mobility, and thermodynamic stability) indicates that this missense variant is not expected to disrupt BRCA1 protein function with a negative predictive value of 95%. In summary, the available evidence is currently insufficient to determine the role of this variant in disease. Therefore, it has been classified as a Variant of Uncertain Significance.

University of Washington Department of Laboratory Medicine, University of Washington
Classification: Likely benign for Hereditary cancer-predisposing syndrome. Last evaluated: 2023-03-23. Review status: criteria provided, single submitter. Criteria: Dines et al. (Genet Med. 2020). Collection method: curation. Allele origin: germline.
Comment: Missense variant in a coldspot region where missense variants are very unlikely to be pathogenic (PMID:31911673).

BRCA1 coldspot (exon 11 using historical exon numbering). Reclassification based on statistical prior probability

Ambry Genetics
Classification: Uncertain significance for Hereditary cancer-predisposing syndrome. Last evaluated: 2014-09-02. Review status: criteria provided, single submitter. Criteria: Ambry Variant Classification Scheme 2023. Collection method: clinical testing. Allele origin: germline.
Comment: The p.D746E variant (also known as c.2238C>A and 2357C>A), located in coding exon 9 of the BRCA1 gene, results from a C to A substitution at nucleotide position 2238. The aspartic acid at codon 746 is replaced by glutamic acid, an amino acid with highly similar properties. This variant was not reported in population based cohorts in the following databases: Database of Single Nucleotide Polymorphisms (dbSNP), NHLBI Exome Sequencing Project (ESP), and 1000 Genomes Project. In the ESP, this variant was not observed in 6503 samples (13006 alleles) with coverage at this position. To date, this alteration has been detected with an allele frequency of approximately 0.002% (greater than 64000 alleles tested) in our clinical cohort. Based on protein sequence alignment, this amino acid position is moderately well conserved in available vertebrate species. In addition, this alteration is predicted to be benign and tolerated by PolyPhen and SIFT in silico analyses, respectively. Since supporting evidence is limited at this time, the clinical significance of p.D746E remains unclear.